The following is an entry in ClinVar:

NM_000533.5(PLP1):c.442C>T (p.His148Tyr)

Genes: PLP1 (proteolipid protein 1; plus strand), RAB9B (RAB9B, member RAS oncogene family; minus strand). Cytogenetic location: Xq22.2.
Variant type: single nucleotide variant.
Coding change: c.442C>T on transcript NM_000533.5 (MANE Select); coding-DNA position 442, C replaced by T.
Protein change: p.His148Tyr; replaces histidine 148 with tyrosine.
Molecular consequence: missense variant. On other transcripts: intron variant (1).
Genome position (GRCh38, 1-based): chrX:103,786,715, C>T. VCF-style: chrX-103786715-C-T. GRCh37 (hg19) VCF-style: chrX-103041644-C-T.
Other names: c.442C>T, p.His148Tyr (NM_001128834.3); c.277C>T, p.His93Tyr (NM_001305004.1); c.348+94C>T (NM_199478.3); short protein forms H148Y, H93Y.
Identifiers: ClinVar variation 1344466 (VCV001344466.9), dbSNP rs2147764634, ClinGen allele CA414102951.

ClinVar aggregate classification (germline): Pathogenic/Likely pathogenic. Review status: criteria provided, multiple submitters, no conflicts (2 of 4 stars). 3 submissions from 3 submitters: Pathogenic (1); Likely pathogenic (2). Last evaluated 2025-02-17.

Conditions:
Hereditary spastic paraplegia. Also called: Familial spastic paraparesis. Identifiers: Orphanet 685, MedGen C0037773, MONDO:0019064. Disease mechanism: loss of function.
Pelizaeus-Merzbacher disease. Also called: Sudanophilic leukodystrophy; Pelizeaus-Merzbacher spectrum disorder; LEUKODYSTROPHY, HYPOMYELINATING, 1; Pelizaeus-Merzbacher spectrum disorder; Pelizaeus-Merzbacher Disease (PMD). Identifiers: Orphanet 702, MedGen C0205711, MONDO:0010714, OMIM 312080, HP:0003269.
Hereditary spastic paraplegia 2 (SPG2). Also called: SPASTIC PARAPLEGIA 2, X-LINKED; Spastic Paraplegia 2 (SPG2). Identifiers: Orphanet 99015, MedGen C0751604, MONDO:0010733, OMIM 312920.

Submissions (3):

Labcorp Genetics (formerly Invitae), Labcorp
Classification: Likely pathogenic for Hereditary spastic paraplegia 2. Last evaluated: 2025-02-17. Review status: criteria provided, single submitter. Criteria: Invitae Variant Classification Sherloc (09022015). Collection method: clinical testing. Allele origin: germline.
Comment: This sequence change replaces histidine, which is basic and polar, with tyrosine, which is neutral and polar, at codon 148 of the PLP1 protein (p.His148Tyr). This variant is not present in population databases (gnomAD no frequency). This missense change has been observed in individuals with clinical features of PLP1-related conditions (PMID: 10319897, 15712223; internal data). It has also been observed to segregate with disease in related individuals. This variant is also known as c.439C>T (p.His147Tyr). ClinVar contains an entry for this variant (Variation ID: 1344466). An algorithm developed to predict the effect of missense changes on protein structure and function (PolyPhen-2) suggests that this variant is likely to be disruptive. In summary, the currently available evidence indicates that the variant is pathogenic, but additional data are needed to prove that conclusively. Therefore, this variant has been classified as Likely Pathogenic.

Laboratory of Medical Genetics, National & Kapodistrian University of Athens
Classification: Likely pathogenic for Pelizaeus-Merzbacher disease. Last evaluated: 2022-08-08. Review status: criteria provided, single submitter. Criteria: ACMG Guidelines, 2015. Collection method: clinical testing. Allele origin: germline. Affected: yes.
Comment: PM1, PM2, PP2, PP3, PP5

Genome Diagnostics Laboratory, The Hospital for Sick Children
Classification: Pathogenic for Hereditary spastic paraplegia. Last evaluated: 2016-12-12. Review status: criteria provided, single submitter. Criteria: ACMG Guidelines, 2015. Collection method: clinical testing. Allele origin: germline. Affected: yes.

Literature cited by the submitters: PubMed 10319897 (cited by Labcorp Genetics (formerly Invitae), Labcorp); PubMed 15712223 (cited by Labcorp Genetics (formerly Invitae), Labcorp).